The following is an entry in ClinVar:

ClinVar aggregate classification (germline): Conflicting classifications of pathogenicity. Review status: criteria provided, conflicting classifications (1 of 4 stars). 4 submissions from 4 submitters: Uncertain significance (2); Likely benign (1). 1 of the submissions does not count toward it. Last evaluated 2025-08-18.

Conditions:
Glycogen storage disease IXb (GSD9B). Also called: GLYCOGENOSIS OF LIVER AND MUSCLE, AUTOSOMAL RECESSIVE; GSD IXb; PHOSPHORYLASE KINASE DEFICIENCY OF LIVER AND MUSCLE, AUTOSOMAL RECESSIVE. Identifiers: Orphanet 79240, MedGen C0543514, MONDO:0009868, OMIM 261750.
PHKB-related disorder. Also called: PHKB-related condition.

Allele frequency attached by ClinVar (database versions not stated): gnomAD 0.00005 and 0.00010; TOPMed 0.00009.
gnomAD v4.1: 45 of 1,611,418 alleles (0.0028%); highest among the groups gnomAD compares: African/African-American, 0.019%; no homozygotes.

Submissions (4):

Labcorp Genetics (formerly Invitae), Labcorp
Classification: Likely benign for Glycogen storage disease IXb. Last evaluated: 2025-08-18. Review status: criteria provided, single submitter. Criteria: Invitae Variant Classification Sherloc (09022015). Collection method: clinical testing. Allele origin: germline.

GeneDx
Classification: Uncertain significance. Last evaluated: 2025-03-07. Review status: criteria provided, single submitter. Criteria: GeneDx Variant Classification Process June 2021. Collection method: clinical testing. Allele origin: germline. Affected: yes.
Comment: In silico analysis suggests this variant may impact gene splicing. In the absence of RNA/functional studies, the actual effect of this sequence change is unknown.; Has not been previously published as pathogenic or benign to our knowledge

Illumina Laboratory Services, Illumina
Classification: Uncertain significance for Glycogen storage disease IXb. Last evaluated: 2018-01-12. Review status: criteria provided, single submitter. Criteria: ICSL Variant Classification Criteria 13 December 2019. Collection method: clinical testing. Allele origin: germline.

PreventionGenetics, part of Exact Sciences
Classification: Uncertain significance for PHKB-related condition. Last evaluated: 2024-03-28. Review status: no assertion criteria provided. Collection method: clinical testing. Allele origin: germline. Not counted in ClinVar's aggregate classification.
Comment: The PHKB c.693G>A variant is not predicted to result in an amino acid change (p.=). To our knowledge, this variant has not been reported in the literature. This variant is reported in 0.024% of alleles in individuals of African descent in gnomAD. At this time, the clinical significance of this variant is uncertain due to the absence of conclusive functional and genetic evidence.

NM_000293.3(PHKB):c.714G>A (p.Ser238=)

Gene: PHKB (phosphorylase kinase regulatory subunit beta; plus strand). Cytogenetic location: 16q12.1.
Variant type: single nucleotide variant.
Coding change: c.714G>A on transcript NM_000293.3 (MANE Select); coding-DNA position 714, G replaced by A.
Protein change: p.Ser238=; no amino-acid change (serine 238 retained).
Molecular consequence: synonymous variant.
Genome position (GRCh38, 1-based): chr16:47,580,298, G>A. VCF-style: chr16-47580298-G-A. GRCh37 (hg19) VCF-style: chr16-47614209-G-A.
Other names: c.693G>A (NM_001031835.2); c.693G>A, p.Ser231= (NM_001031835.3); c.714G>A, p.Ser238= (NM_001363837.1).
Identifiers: ClinVar variation 319339 (VCV000319339.11), dbSNP rs772326970, ClinGen allele CA8040591.
Genomic context (GRCh38, chr16:47,580,298, plus strand): 5'-TTCTGATTTTGTAGCCACATACATTAGAGTAATAAAGCATTTCCTTTTCTCTTTTAGCTC[G>A]GTTGGTTTAGCAAAAGCAGCTCTAGAAGCAATTAATGGATTCAACCTTTTTGGCAACCAG-3'
Protein context (NP_000284.1, residues 228-248): NNGSTELHSS[Ser238=]VGLAKAALEA